The following is an entry in ClinVar:

ClinVar aggregate classification (germline): Uncertain significance (1 of 4 stars; one submission).

Conditions:
Myopathy, centronuclear, 2 (CNM2). Also called: MYOTUBULAR MYOPATHY, AUTOSOMAL RECESSIVE. Identifiers: Orphanet 169186, MedGen CN031787, MONDO:0009709, OMIM 255200.

Allele frequency attached by ClinVar (database versions not stated): gnomAD exomes 0.00001; ExAC 0.00001.
gnomAD v4.1: 4 of 1,614,200 alleles (0.00025%); highest among the groups gnomAD compares: South Asian, 0.0022%; no homozygotes.

Submission:

Labcorp Genetics (formerly Invitae), Labcorp
Classification: Uncertain significance for Myopathy, centronuclear, 2. Last evaluated: 2022-11-28. Review status: criteria provided, single submitter. Criteria: Invitae Variant Classification Sherloc (09022015). Collection method: clinical testing. Allele origin: germline.
Comment: In summary, the available evidence is currently insufficient to determine the role of this variant in disease. Therefore, it has been classified as a Variant of Uncertain Significance. Advanced modeling of protein sequence and biophysical properties (such as structural, functional, and spatial information, amino acid conservation, physicochemical variation, residue mobility, and thermodynamic stability) performed at Invitae indicates that this missense variant is expected to disrupt BIN1 protein function. ClinVar contains an entry for this variant (Variation ID: 530863). This variant has not been reported in the literature in individuals affected with BIN1-related conditions. This variant is present in population databases (rs764377144, gnomAD 0.006%). This sequence change replaces glutamic acid, which is acidic and polar, with lysine, which is basic and polar, at codon 158 of the BIN1 protein (p.Glu158Lys).

NM_139343.3(BIN1):c.472G>A (p.Glu158Lys)

Gene: BIN1 (bridging integrator 1; minus strand). Cytogenetic location: 2q14.3.
Variant type: single nucleotide variant.
Coding change: c.472G>A on transcript NM_139343.3 (MANE Select); coding-DNA position 472, G replaced by A.
Protein change: p.Glu158Lys; replaces glutamic acid 158 with lysine.
Molecular consequence: missense variant.
Genome position (GRCh38, 1-based): chr2:127,068,971, C>T on the plus strand (G>A on the coding strand, the complement: BIN1 is on the minus strand). VCF-style: chr2-127068971-C-T. GRCh37 (hg19) VCF-style: chr2-127826547-C-T.
Other names: c.472G>A, p.Glu158Lys (NM_001320632.2, NM_001320633.2, NM_001320640.2 and 10 more transcripts); c.400G>A, p.Glu134Lys (NM_001320634.1); c.391G>A, p.Glu131Lys (NM_001320642.1); short protein forms E158K, E134K, E131K.
Identifiers: ClinVar variation 530863 (VCV000530863.6), dbSNP rs764377144, ClinGen allele CA1857470.